The following is an entry in ClinVar:

ClinVar aggregate classification (germline): Benign/Likely benign. Review status: criteria provided, multiple submitters, no conflicts (2 of 4 stars). 3 submissions from 3 submitters: Benign (1); Likely benign (2). Last evaluated 2026-06-02.

Conditions:
Gastrointestinal stromal tumor. Also called: Gastrointestinal stromal tumor, somatic; Gastrointestinal stroma tumor. Identifiers: Orphanet 44890, MedGen C0238198, MeSH D046152, MONDO:0011719, OMIM 606764, HP:0100723.
Hereditary cancer-predisposing syndrome. Also called: Hereditary neoplastic syndrome; Neoplastic Syndromes, Hereditary; Hereditary Cancer Syndrome; Tumor predisposition. Identifiers: Orphanet 140162, MedGen C0027672, MeSH D009386, MONDO:0015356.

gnomAD v4.1: 2 of 1,613,940 alleles (0.00012%); highest among the groups gnomAD compares: South Asian, 0.0022%; no homozygotes.

Submissions (3):

Myriad Genetics, Inc.
Classification: Benign for Gastrointestinal stromal tumor. Last evaluated: 2026-06-02. Review status: criteria provided, single submitter. Criteria: Myriad Autosomal Dominant, Autosomal Recessive and X-Linked Classification Criteria (2023). Collection method: clinical testing. Allele origin: unknown.
Comment: This variant is considered benign. This variant is a silent/synonymous amino acid change and it is not expected to impact splicing.

Ambry Genetics
Classification: Likely benign for Hereditary cancer-predisposing syndrome. Last evaluated: 2025-05-29. Review status: criteria provided, single submitter. Criteria: Ambry Variant Classification Scheme 2023. Collection method: clinical testing. Allele origin: germline.

Labcorp Genetics (formerly Invitae), Labcorp
Classification: Likely benign for Gastrointestinal stromal tumor. Last evaluated: 2017-09-02. Review status: criteria provided, single submitter. Criteria: Invitae Variant Classification Sherloc (09022015). Collection method: clinical testing. Allele origin: germline.

NM_000222.3(KIT):c.696G>T (p.Thr232=)

Gene: KIT (KIT proto-oncogene, receptor tyrosine kinase; plus strand). Cytogenetic location: 4q12.
Variant type: single nucleotide variant.
Coding change: c.696G>T on transcript NM_000222.3 (MANE Select); coding-DNA position 696, G replaced by T.
Protein change: p.Thr232=; no amino-acid change (threonine 232 retained).
Molecular consequence: synonymous variant.
Genome position (GRCh38, 1-based): chr4:54,699,706, G>T. VCF-style: chr4-54699706-G-T. GRCh37 (hg19) VCF-style: chr4-55565872-G-T.
Other names: c.696G>T, p.Thr232= (NM_001093772.2, NM_001385284.1, NM_001385285.1 and 4 more transcripts).
Identifiers: ClinVar variation 528705 (VCV000528705.11), dbSNP rs201988161, ClinGen allele CA439288215.